The following is an entry in ClinVar:

ClinVar aggregate classification (germline): Uncertain significance (1 of 4 stars; one submission).

Conditions:
DYRK1A-related intellectual disability syndrome (MRD7). Also called: DYRK1A Syndrome; Intellectual developmental disorder, autosomal dominant 7. Identifiers: Orphanet 464306, MedGen C5568143, MONDO:0013578, OMIM 614104.

Submission:

Labcorp Genetics (formerly Invitae), Labcorp
Classification: Uncertain significance for DYRK1A-related intellectual disability syndrome. Last evaluated: 2024-01-09. Review status: criteria provided, single submitter. Criteria: Invitae Variant Classification Sherloc (09022015). Collection method: clinical testing. Allele origin: unknown.
Comment: A copy number gain of the genomic region encompassing the full coding sequence of the DYRK1A gene has been identified. The boundaries of this event are unknown as they extend beyond the assayed region for this gene and therefore may encompass additional genes. As the precise location of this event is unknown, it may be in tandem or it may be located elsewhere in the genome. Isolated whole-gene copy number gains of DYRK1A have not been reported in the literature. However, larger copy number events that include this gene have been reported (PMID: 17237124, 23512985). Experimental studies and prediction algorithms are not available or were not evaluated, and the functional significance of this variant is currently unknown. In summary, the available evidence is currently insufficient to determine the role of this variant in disease. Therefore, it has been classified as a Variant of Uncertain Significance.

Literature cited by the submitters: PubMed 17237124; PubMed 23512985.

NC_000021.8:g.(?_37133458)_(38884834_?)dup

Genes: CBR1 (carbonyl reductase 1; plus strand), CBR3 (carbonyl reductase 3; plus strand), CHAF1B (chromatin assembly factor 1 subunit B; plus strand), CLDN14 (claudin 14; minus strand), DOP1B (DOP1 leucine zipper like protein B; plus strand) and 9 more. Cytogenetic location: 21q22.12-22.13.
Variant type: Duplication.
Identifiers: ClinVar variation 3248159 (VCV003248159.1).